The following is an entry in ClinVar:

ClinVar aggregate classification (germline): Pathogenic/Likely pathogenic. Review status: criteria provided, multiple submitters, no conflicts (2 of 4 stars). 3 submissions from 3 submitters: Pathogenic (1); Likely pathogenic (1). 1 of the submissions does not count toward it. Last evaluated 2023-07-06.

Conditions:
Anauxetic dysplasia. Identifiers: Orphanet 93347, MedGen C1846796, MONDO:0011773.
Metaphyseal chondrodysplasia, McKusick type (CHH). Also called: Cartilage-hair hypoplasia; Cartilage-Hair Hypoplasia (CHH). Identifiers: Orphanet 175, MedGen C0220748, MONDO:0009595, OMIM 250250.

Allele frequency attached by ClinVar (database versions not stated): TOPMed below 0.00001; gnomAD exomes 0.00001.

Submissions (3):

Labcorp Genetics (formerly Invitae), Labcorp
Classification: Pathogenic for Anauxetic dysplasia. Last evaluated: 2023-07-06. Review status: criteria provided, single submitter. Criteria: Invitae Variant Classification Sherloc (09022015). Collection method: clinical testing. Allele origin: germline.
Comment: This variant occurs in the RMRP gene, which encodes an RNA molecule that does not result in a protein product. This variant is not present in population databases (gnomAD no frequency). While this particular variant has not been reported in the literature, it is located in the promoter region between the TATA box and the transcription initiation site, and other insertions and duplications immediately upstream of the coding sequence have been reported in individuals affected with cartilage-hair hypoplasia-anauxetic dysplasia (CHH-AD) spectrum disorders (PMID: 16244706, 11207361, 12107819). ClinVar contains an entry for this variant (Variation ID: 852657). While functional studies for this variant have not been reported, experimental analyses using patient derived cells, as well as in vitro transfection studies, have shown that promoter insertions result in silencing of RMRP transcription and reduced expression of the gene product (PMID: 11207361, 16254002). For these reasons, this variant has been classified as Pathogenic.

Women's Health and Genetics/Laboratory Corporation of America, LabCorp
Classification: Likely pathogenic for Metaphyseal chondrodysplasia, McKusick type. Last evaluated: 2023-05-23. Review status: criteria provided, single submitter. Criteria: LabCorp Variant Classification Summary - May 2015. Collection method: clinical testing. Allele origin: germline.
Comment: Variant summary: RMRP n.-25_-6dup20 involves the insertion of 20 nucleotides in the promoter region of RMRP, which is located between the TATA box (-33 to -25) and the transcription initiation site. Other insertions or duplications in the promoter region of RMRP have been classified as pathogenic (internally and in ClinVar). The variant was absent in 127922 control chromosomes. To our knowledge, no occurrence of n.-25_-6dup20 in individuals affected with Cartilage-Hair Hypoplasia and no experimental evidence demonstrating its impact on protein function have been reported. However, many other insertions or duplications in the promoter region of RMRP have been reported in affected individuals in the literature (e.g. PMIDs: 21956908, 21396580, 11207361, 16244706) and have been demonstrated through functional studies to lead to reduced RMRP transcription (e.g. PMIDs: 11207361, 16254002, 17937437). Two clinical diagnostic laboratories have submitted clinical-significance assessments for this variant to ClinVar after 2014 and classified the variant as pathogenic (n=1) and likely pathogenic (n=1). Based on the evidence outlined above, the variant was classified as likely pathogenic.

Natera, Inc.
Classification: Likely pathogenic for Cartilage-hair hypoplasia. Last evaluated: 2020-10-07. Review status: no assertion criteria provided. Collection method: clinical testing. Allele origin: germline. Not counted in ClinVar's aggregate classification.

Literature cited by the submitters: PubMed 16244706 (cited by Labcorp Genetics (formerly Invitae), Labcorp); PubMed 11207361 (cited by Labcorp Genetics (formerly Invitae), Labcorp); PubMed 12107819 (cited by Labcorp Genetics (formerly Invitae), Labcorp); PubMed 16254002 (cited by Labcorp Genetics (formerly Invitae), Labcorp).

NR_003051.3(RMRP):n.-25_-6dup

Gene: RMRP (RNA component of mitochondrial RNA processing endoribonuclease; minus strand). Cytogenetic location: 9p13.3.
Variant type: Duplication.
Genome position: GRCh38 VCF-style: chr9-35658023-C-CCTCAGCTTCACAGAGTAGTA. GRCh37 (hg19) VCF-style: chr9-35658020-C-CCTCAGCTTCACAGAGTAGTA.
Identifiers: ClinVar variation 852657 (VCV000852657.11), dbSNP rs1554651445, ClinGen allele CA916080409.